The following is an entry in ClinVar:

ClinVar aggregate classification (germline): Likely benign (0 of 4 stars; one submission).

Conditions:
ASIP-related condition.

gnomAD v4.1: 1,021 of 1,556,916 alleles (0.066%); highest among the groups gnomAD compares: Non-Finnish European, 0.081%; 2 homozygotes.

Submission:

PreventionGenetics, part of Exact Sciences
Classification: Likely benign for ASIP-related condition. Last evaluated: 2024-07-21. Review status: no assertion criteria provided. Collection method: clinical testing. Allele origin: germline.
Comment: This variant is classified as likely benign based on ACMG/AMP sequence variant interpretation guidelines (Richards et al. 2015 PMID: 25741868, with internal and published modifications).

NM_001672.3(ASIP):c.357C>T (p.Phe119=)

Genes: AHCY (adenosylhomocysteinase; minus strand), ASIP (agouti signaling protein; plus strand). Cytogenetic location: 20q11.22.
Variant type: single nucleotide variant.
Coding change: c.357C>T on transcript NM_001672.3 (MANE Select); coding-DNA position 357, C replaced by T.
Protein change: p.Phe119=; no amino-acid change (phenylalanine 119 retained).
Molecular consequence: synonymous variant.
Genome position (GRCh38, 1-based): chr20:34,269,125, C>T. VCF-style: chr20-34269125-C-T. GRCh37 (hg19) VCF-style: chr20-32856931-C-T.
Other names: c.357C>T, p.Phe119= (NM_001385218.1).
Identifiers: ClinVar variation 3358009 (VCV003358009.1).
Genomic context (GRCh38, chr20:34,269,125, plus strand): 5'-CTGCAAGCCGCCGGCACCCGCCTGCTGCGACCCGTGCGCCTCCTGCCAGTGCCGCTTCTT[C>T]CGCAGCGCCTGCTCCTGCCGCGTGCTCAGCCTCAACTGCTGAGCGCCCCCACTCCCGGCC-3'
Protein context (NP_001663.2, residues 109-129): DPCASCQCRF[Phe119=]RSACSCRVLS